The following is an entry in ClinVar:

NM_004859.4(CLTC):c.4933C>T (p.Pro1645Ser)

Gene: CLTC (clathrin heavy chain; plus strand). Cytogenetic location: 17q23.1.
Variant type: single nucleotide variant.
Coding change: c.4933C>T on transcript NM_004859.4 (MANE Select); coding-DNA position 4933, C replaced by T.
Protein change: p.Pro1645Ser; replaces proline 1645 with serine.
Molecular consequence: missense variant.
Genome position (GRCh38, 1-based): chr17:59,693,757, C>T. VCF-style: chr17-59693757-C-T. GRCh37 (hg19) VCF-style: chr17-57771118-C-T.
Other names: c.4945C>T, p.Pro1649Ser (NM_001288653.2); short protein forms P1649S, P1645S.
Identifiers: ClinVar variation 2120729 (VCV002120729.4), dbSNP rs753608498, ClinGen allele CA8681843.

ClinVar aggregate classification (germline): Uncertain significance (1 of 4 stars; one submission).

Allele frequency attached by ClinVar (database versions not stated): gnomAD exomes below 0.00001; ExAC 0.00001; TOPMed 0.00001.
gnomAD v4.1: 3 of 1,613,744 alleles (0.00019%); highest among the groups gnomAD compares: Non-Finnish European, 0.00017%; no homozygotes.

Submission:

Labcorp Genetics (formerly Invitae), Labcorp
Classification: Uncertain significance. Last evaluated: 2022-08-15. Review status: criteria provided, single submitter. Criteria: Invitae Variant Classification Sherloc (09022015). Collection method: clinical testing. Allele origin: germline.
Comment: Algorithms developed to predict the effect of missense changes on protein structure and function are either unavailable or do not agree on the potential impact of this missense change (SIFT: "Tolerated"; PolyPhen-2: "Not Available"; Align-GVGD: "Class C0"). This variant has not been reported in the literature in individuals affected with CLTC-related conditions. This variant is present in population databases (rs753608498, gnomAD 0.0009%). This sequence change replaces proline, which is neutral and non-polar, with serine, which is neutral and polar, at codon 1649 of the CLTC protein (p.Pro1649Ser). In summary, the available evidence is currently insufficient to determine the role of this variant in disease. Therefore, it has been classified as a Variant of Uncertain Significance.